The following is an entry in ClinVar:

NM_001130987.2(DYSF):c.5965del (p.Ala1989fs)

Gene: DYSF (dysferlin; plus strand). Cytogenetic location: 2p13.2.
Variant type: Deletion.
Coding change: c.5965del on transcript NM_001130987.2 (MANE Select); coding-DNA position 5965, one base deleted (G; older notation c.5965delG).
Protein change: p.Ala1989fs; shifts the reading frame from alanine 1989.
Molecular consequence: frameshift variant.
Genome position (GRCh38, 1-based): chr2:71,679,137, G deleted. VCF-style (leftmost placement, unchanged base first): chr2-71679136-TG-T. GRCh37 (hg19) VCF-style: chr2-71906266-TG-T.
Other names: c.5851del, p.Ala1951fs (NM_001130455.2); c.5806del, p.Ala1936fs (NM_001130976.2); c.5869del, p.Ala1957fs (NM_001130977.2); c.5911del, p.Ala1971fs (NM_001130978.2); c.5941del, p.Ala1981fs (NM_001130979.2); c.5899del, p.Ala1967fs (NM_001130980.2); c.5962del, p.Ala1988fs (NM_001130981.2); c.5944del, p.Ala1982fs (NM_001130982.2); and 5 more; short protein forms A1936fs, A1937fs, A1950fs, A1951fs, A1957fs, A1958fs, A1967fs, A1968fs.
Identifiers: ClinVar variation 5013467 (VCV005013467.1).

ClinVar aggregate classification (germline): Pathogenic (1 of 4 stars; one submission).

Conditions:
Autosomal recessive limb-girdle muscular dystrophy. Identifiers: Orphanet 102015, MedGen C2931907, MONDO:0015152.

Submission:

Myriad Genetics, Inc.
Classification: Pathogenic for Autosomal recessive limb-girdle muscular dystrophy. Last evaluated: 2024-08-20. Review status: criteria provided, single submitter. Criteria: Myriad Autosomal Dominant, Autosomal Recessive and X-Linked Classification Criteria (2023). Collection method: clinical testing. Allele origin: unknown.
Comment: NM_003494.3(DYSF):c.5848delG(A1950Lfs*16) is expected to be pathogenic in the context of dysferlinopathy. This variant is predicted to lead to an abnormal or absent protein product due to the creation of a premature termination codon in DYSF, a gene where loss-of-function variants are known to be pathogenic. Please note: this variant was assessed in the context of healthy population screening.